The following is an entry in ClinVar:

NM_006015.6(ARID1A):c.5976_5981dup (p.Phe1993_Val1994dup)

Gene: ARID1A (AT-rich interaction domain 1A; plus strand). Cytogenetic location: 1p36.11.
Variant type: Duplication.
Coding change: c.5976_5981dup on transcript NM_006015.6 (MANE Select); coding-DNA positions 5976 to 5981, 6 bases duplicated (ATTTGT; older notation c.5976_5981dupATTTGT).
Protein change: p.Phe1993_Val1994dup.
Molecular consequence: inframe insertion.
Genome position (GRCh38, 1-based): chr1:26,779,874-26,779,879, ATTTGT duplicated. VCF-style (leftmost placement, unchanged base first): chr1-26779873-C-CATTTGT. GRCh37 (hg19) VCF-style: chr1-27106364-C-CATTTGT.
Other names: c.5325_5330dup, p.Phe1776_Val1777dup (NM_139135.4).
Identifiers: ClinVar variation 985412 (VCV000985412.4), dbSNP rs2081174999, ClinGen allele CA1139656019.
Genomic context (GRCh38, chr1:26,779,873, plus strand): 5'-ACTGGCAGGATTCTCTTGCCAAGCGCTGCGTCTGTGTGTCCAATACCATTCGAAGCCTGT[C>CATTTGT]ATTTGTGCCAGGCAATGACTTTGAGATGTCCAAACACCCAGGGCTGCTGCTCATCCTGGG-3'

ClinVar aggregate classification (germline): Likely pathogenic (1 of 4 stars; one submission).

Conditions:
Inborn genetic diseases. Identifiers: MedGen C0950123, MeSH D030342.

Submission:

Ambry Genetics
Classification: Likely pathogenic for Inborn genetic diseases. Last evaluated: 2019-12-27. Review status: criteria provided, single submitter. Criteria: Ambry Variant Classification Scheme 2023. Collection method: clinical testing. Allele origin: germline.
Comment: The alteration results in an in-frame duplication:_x000D_ _x000D_ The c.5976_5981dupATTTGT (p.F1993_V1994dup) alteration is located in coding exon 20 of the ARID1A gene. The alteration consists of an in-frame duplication of 6 nucleotides from position 5976 to 5981. This results in the duplication of two amino acids (phenylalanine and valine). The alteration is not observed in population databases:_x000D_ _x000D_ Based on data from the Genome Aggregation Database (gnomAD), the ARID1A c.5976_5981dupATTTGT alteration was not observed, with coverage at this position The alteration is predicted deleterious by in silico analysis:_x000D_ _x000D_ The p.F1993_V1994dup alteration is predicted to be deleterious, with a score of -10.839, by PROVEAN in silico analysis. Based on the available evidence, this alteration is classified as likely pathogenic.